The following is an entry in ClinVar:

NM_031293.3(PMFBP1):c.2256C>T (p.Leu752=)

Gene: PMFBP1 (polyamine modulated factor 1 binding protein 1; minus strand). Cytogenetic location: 16q22.2.
Variant type: single nucleotide variant.
Coding change: c.2256C>T on transcript NM_031293.3 (MANE Select); coding-DNA position 2256, C replaced by T.
Protein change: p.Leu752=; no amino-acid change (leucine 752 retained).
Molecular consequence: synonymous variant.
Genome position (GRCh38, 1-based): chr16:72,125,403, G>A on the plus strand (C>T on the coding strand, the complement: PMFBP1 is on the minus strand). VCF-style: chr16-72125403-G-A. GRCh37 (hg19) VCF-style: chr16-72159302-G-A.
Other names: c.2256C>T (NM_031293.2); c.1821C>T, p.Leu607= (NM_001160213.2).
Identifiers: ClinVar variation 3024866 (VCV003024866.23), dbSNP rs35278932, ClinGen allele CA8161407.

ClinVar aggregate classification (germline): Benign. Review status: criteria provided, single submitter (1 of 4 stars). 2 submissions from 2 submitters: Benign (1). 1 of the submissions does not count toward it. Last evaluated 2026-01-01.

Conditions:
PMFBP1-related disorder. Also called: PMFBP1-related condition.

Allele frequency attached by ClinVar (database versions not stated): 1000 Genomes Project 30x 0.00531; 1000 Genomes Project 0.00539; TOPMed 0.00746; gnomAD 0.00761; ExAC 0.00840; ESP Exome Variant Server 0.00977; gnomAD exomes 0.01166.
gnomAD v4.1: 18,043 of 1,608,470 alleles (1.1%); highest among the groups gnomAD compares: Non-Finnish European, 1.4%; 124 homozygotes.

Submissions (2):

CeGaT Center for Human Genetics Tuebingen
Classification: Benign. Last evaluated: 2026-01-01. Review status: criteria provided, single submitter. Criteria: CeGaT Center For Human Genetics Tuebingen Variant Classification Criteria Version 2. Collection method: clinical testing. Allele origin: germline. Affected: yes. Observed: 3 variant alleles.
Comment: PMFBP1: BP4, BP7, BS1, BS2

PreventionGenetics, part of Exact Sciences
Classification: Likely benign for PMFBP1-related condition. Last evaluated: 2019-05-28. Review status: no assertion criteria provided. Collection method: clinical testing. Allele origin: germline. Not counted in ClinVar's aggregate classification.
Comment: This variant is classified as likely benign based on ACMG/AMP sequence variant interpretation guidelines (Richards et al. 2015 PMID: 25741868, with internal and published modifications).